The following is an entry in ClinVar:

ClinVar aggregate classification (germline): Pathogenic/Likely pathogenic. Review status: criteria provided, multiple submitters, no conflicts (2 of 4 stars). 2 submissions from 2 submitters: Pathogenic (1); Likely pathogenic (1). Last evaluated 2022-08-09.

Conditions:
Knobloch syndrome (KNO). Also called: Myopia retinal detachment encephalocele; RETINAL DETACHMENT AND OCCIPITAL ENCEPHALOCELE. Identifiers: Orphanet 1571, MedGen C1849409, MONDO:0800166.

Allele frequency attached by ClinVar (database versions not stated): ExAC 0.00001; gnomAD 0.00001; gnomAD exomes 0.00001.
gnomAD v4.1: 7 of 1,612,930 alleles (0.00043%); highest among the groups gnomAD compares: East Asian, 0.0022%; no homozygotes.

Submissions (2):

Labcorp Genetics (formerly Invitae), Labcorp
Classification: Pathogenic. Last evaluated: 2022-08-09. Review status: criteria provided, single submitter. Criteria: Invitae Variant Classification Sherloc (09022015). Collection method: clinical testing. Allele origin: germline.
Comment: For these reasons, this variant has been classified as Pathogenic. ClinVar contains an entry for this variant (Variation ID: 666965). This variant has not been reported in the literature in individuals affected with COL18A1-related conditions. The frequency data for this variant in the population databases is considered unreliable, as metrics indicate poor data quality at this position in the gnomAD database. This sequence change creates a premature translational stop signal (p.Arg1078*) in the COL18A1 gene. It is expected to result in an absent or disrupted protein product. Loss-of-function variants in COL18A1 are known to be pathogenic (PMID: 12415512, 25456301).

Laboratory for Molecular Medicine, Mass General Brigham Personalized Medicine
Classification: Likely pathogenic for Knobloch syndrome. Last evaluated: 2018-04-12. Review status: criteria provided, single submitter. Criteria: LMM Criteria. Collection method: clinical testing. Allele origin: germline. Inheritance: Autosomal recessive inheritance. Observed: 1 variant allele.
Comment: The p.Arg1081X variant in COL18A1 has not been previously reported in individual s with Knobloch syndrome, but has been identified in 1/1622 East Asian chromosom es by the Genome Aggregation Database (gnomAD; dbSNP rs771752014). Although this variant has been seen in the general populati on, its frequency is low enough to be consistent with a recessive carrier freque ncy. This nonsense variant leads to a premature termination codon at position 10 81, which is predicted to lead to a truncated or absent protein. Loss of functio n of the COL18A1 gene is an established disease mechanism in autosomal recessive Knobloch syndrome. In summary, although additional studies are required to full y establish its clinical significance, this variant is likely pathogenic. ACMG/A MP Criteria applied: PVS1_Strong; PM2.

Literature cited by the submitters: PubMed 12415512 (cited by Labcorp Genetics (formerly Invitae), Labcorp); PubMed 25456301 (cited by Labcorp Genetics (formerly Invitae), Labcorp).

NM_001379500.1(COL18A1):c.3241C>T (p.Arg1081Ter)

Genes: SLC19A1 (solute carrier family 19 member 1; minus strand), COL18A1 (collagen type XVIII alpha 1 chain; plus strand). Cytogenetic location: 21q22.3.
Variant type: single nucleotide variant.
Coding change: c.3241C>T on transcript NM_001379500.1 (MANE Select); coding-DNA position 3241, C replaced by T.
Protein change: p.Arg1081Ter; replaces arginine 1081 with a stop codon.
Molecular consequence: nonsense.
Genome position (GRCh38, 1-based): chr21:45,507,585, C>T. VCF-style: chr21-45507585-C-T. GRCh37 (hg19) VCF-style: chr21-46927499-C-T.
Other names: NM_130445.2:c.3241C>T; c.3772C>T, p.Arg1258Ter (NM_030582.4); c.4477C>T, p.Arg1493Ter (NM_130444.3); short protein forms R1493*, R1258*, R1081*.
Identifiers: ClinVar variation 666965 (VCV000666965.10), dbSNP rs771752014, ClinGen allele CA10067799.